The following is an entry in ClinVar:

NM_000138.5(FBN1):c.6769_6770dup (p.Asp2257fs)

Gene: FBN1 (fibrillin 1; minus strand). Cytogenetic location: 15q21.1.
Variant type: Duplication.
Coding change: c.6769_6770dup on transcript NM_000138.5 (MANE Select); coding-DNA positions 6769 to 6770, 2 bases duplicated (GA; older notation c.6769_6770dupGA).
Protein change: p.Asp2257fs; shifts the reading frame from aspartic acid 2257.
Molecular consequence: frameshift variant.
Genome position (GRCh38, 1-based): chr15:48,430,772-48,430,773, TC duplicated on the plus strand (GA on the coding strand, the reverse complement: FBN1 is on the minus strand). VCF-style (leftmost placement, unchanged base first): chr15-48430771-G-GTC. GRCh37 (hg19) VCF-style: chr15-48722968-G-GTC.
Other names: c.6769_6770dup, p.Asp2257fs (NM_001406716.1); short protein forms D2257fs.
Identifiers: ClinVar variation 1325447 (VCV001325447.2), dbSNP rs2141232648, ClinGen allele CA2573150974.

ClinVar aggregate classification (germline): Pathogenic (1 of 4 stars; one submission).

Conditions:
Marfan syndrome (MFS). Also called: Marfan syndrome type 1; Marfan's syndrome; FBN1-Related Marfan Syndrome; MARFAN SYNDROME, TYPE I; Marfan syndrome, classic. Identifiers: Orphanet 284963, Orphanet 558, MedGen C0024796, MONDO:0007947, OMIM 154700.

Submission:

Centre of Medical Genetics, University of Antwerp
Classification: Pathogenic for Marfan syndrome. Last evaluated: 2021-03-01. Review status: criteria provided, single submitter. Criteria: Submitter's publication. Collection method: research. Allele origin: unknown. Affected: yes.
Comment: PM2, PVS1, PP4